The following is an entry in ClinVar:

NM_001134363.3(RBM20):c.2633C>T (p.Pro878Leu)

Gene: RBM20 (RNA binding motif protein 20; plus strand). Cytogenetic location: 10q25.2.
Variant type: single nucleotide variant.
Coding change: c.2633C>T on transcript NM_001134363.3 (MANE Select); coding-DNA position 2633, C replaced by T.
Protein change: p.Pro878Leu; replaces proline 878 with leucine.
Molecular consequence: missense variant.
Genome position (GRCh38, 1-based): chr10:110,820,154, C>T. VCF-style: chr10-110820154-C-T. GRCh37 (hg19) VCF-style: chr10-112579912-C-T.
Other names: c.2633C>T (LRG_382t1); short protein forms P878L.
Identifiers: ClinVar variation 450712 (VCV000450712.13), dbSNP rs368291152, ClinGen allele CA5688704.

ClinVar aggregate classification (germline): Conflicting classifications of pathogenicity. Review status: criteria provided, conflicting classifications (1 of 4 stars). 3 submissions from 3 submitters: Uncertain significance (2); Likely benign (1). Last evaluated 2025-10-19.

Conditions:
Cardiovascular phenotype. Identifiers: MedGen CN230736.
Dilated cardiomyopathy 1DD (CMD1DD). Identifiers: Orphanet 154, MedGen C2750995, MONDO:0013168, OMIM 613172.

Allele frequency attached by ClinVar (database versions not stated): gnomAD 0.00001; TOPMed 0.00002; gnomAD exomes 0.00003; ExAC 0.00005.
gnomAD v4.1: 13 of 1,550,978 alleles (0.00084%); highest among the groups gnomAD compares: Middle Eastern, 0.067%; no homozygotes.

Submissions (3):

Labcorp Genetics (formerly Invitae), Labcorp
Classification: Likely benign for Dilated cardiomyopathy 1DD. Last evaluated: 2025-10-19. Review status: criteria provided, single submitter. Criteria: Invitae Variant Classification Sherloc (09022015). Collection method: clinical testing. Allele origin: germline.

Ambry Genetics
Classification: Uncertain significance for Cardiovascular phenotype. Last evaluated: 2025-08-19. Review status: criteria provided, single submitter. Criteria: Ambry Variant Classification Scheme 2023. Collection method: clinical testing. Allele origin: germline.
Comment: The p.P878L variant (also known as c.2633C>T), located in coding exon 10 of the RBM20 gene, results from a C to T substitution at nucleotide position 2633. The proline at codon 878 is replaced by leucine, an amino acid with similar properties. This amino acid position is conserved. In addition, this alteration is predicted to be tolerated by in silico analysis. Since supporting evidence is limited at this time, the clinical significance of this alteration remains unclear.

GeneDx
Classification: Uncertain significance. Last evaluated: 2017-07-18. Review status: criteria provided, single submitter. Criteria: GeneDx Variant Classification (06012015). Collection method: clinical testing. Allele origin: germline. Affected: yes.
Comment: A variant of uncertain significance has been identified in the RBM20 gene. The P878L variant has not been published as pathogenic or been reported as benign to our knowledge. This variant is not observed at a significant frequency in large population cohorts (Lek et al., 2016; 1000 Genomes Consortium et al., 2015; Exome Variant Server). The P878L variant is a semi-conservative amino acid substitution, which may impact secondary protein structure as these residues differ in some properties. Nevertheless, this substitution occurs at a position that is not conserved across species and leucine (L) is the wild-type residue at this position in at least one mammalian and one non-mammalian species. Furthermore, in silico analysis predicts this variant likely does not alter the protein structure/function. Finally, this variant is not located in the exon 9 hot-spot" region of the RBM20 gene, where many pathogenic variants are located (Brauch et al., 2009)."